The following is an entry in ClinVar:

NM_182972.3(IRF2BP2):c.1504G>T (p.Ala502Ser)

Gene: IRF2BP2 (interferon regulatory factor 2 binding protein 2; minus strand). Cytogenetic location: 1q42.3.
Variant type: single nucleotide variant.
Coding change: c.1504G>T on transcript NM_182972.3 (MANE Select); coding-DNA position 1504, G replaced by T.
Protein change: p.Ala502Ser; replaces alanine 502 with serine.
Molecular consequence: missense variant.
Genome position (GRCh38, 1-based): chr1:234,607,397, C>A on the plus strand (G>T on the coding strand, the complement: IRF2BP2 is on the minus strand). VCF-style: chr1-234607397-C-A. GRCh37 (hg19) VCF-style: chr1-234743143-C-A.
Other names: c.1504G>T (NM_182972.2); c.1456G>T, p.Ala486Ser (NM_001077397.1); short protein forms A502S, A486S.
Identifiers: ClinVar variation 1420488 (VCV001420488.9), dbSNP rs765477009, ClinGen allele CA1461547.

ClinVar aggregate classification (germline): Uncertain significance. Review status: criteria provided, multiple submitters, no conflicts (2 of 4 stars). 2 submissions from 2 submitters: Uncertain significance (2). Last evaluated 2025-08-12.

Allele frequency attached by ClinVar (database versions not stated): gnomAD exomes 0.00001; TOPMed 0.00001; ExAC 0.00002.
gnomAD v4.1: 6 of 1,614,136 alleles (0.00037%); highest among the groups gnomAD compares: Non-Finnish European, 0.00034%; no homozygotes.

Submissions (2):

Labcorp Genetics (formerly Invitae), Labcorp
Classification: Uncertain significance. Last evaluated: 2025-08-12. Review status: criteria provided, single submitter. Criteria: Invitae Variant Classification Sherloc (09022015). Collection method: clinical testing. Allele origin: germline.
Comment: This sequence change replaces alanine, which is neutral and non-polar, with serine, which is neutral and polar, at codon 502 of the IRF2BP2 protein (p.Ala502Ser). This variant is present in population databases (rs765477009, gnomAD 0.002%). This variant has not been reported in the literature in individuals affected with IRF2BP2-related conditions. ClinVar contains an entry for this variant (Variation ID: 1420488). An algorithm developed to predict the effect of missense changes on protein structure and function (PolyPhen-2) suggests that this variant is likely to be disruptive. In summary, the available evidence is currently insufficient to determine the role of this variant in disease. Therefore, it has been classified as a Variant of Uncertain Significance.

Ambry Genetics
Classification: Uncertain significance. Last evaluated: 2024-10-19. Review status: criteria provided, single submitter. Criteria: Ambry Variant Classification Scheme 2023. Collection method: clinical testing. Allele origin: germline.